The following is an entry in ClinVar:

NM_001127208.3(TET2):c.196A>T (p.Met66Leu)

Genes: TET2 (tet methylcytosine dioxygenase 2; plus strand), TET2-AS1 (TET2 antisense RNA 1; minus strand). Cytogenetic location: 4q24.
Variant type: single nucleotide variant.
Coding change: c.196A>T on transcript NM_001127208.3 (MANE Select); coding-DNA position 196, A replaced by T.
Protein change: p.Met66Leu; replaces methionine 66 with leucine.
Molecular consequence: missense variant.
Genome position (GRCh38, 1-based): chr4:105,234,138, A>T. VCF-style: chr4-105234138-A-T. GRCh37 (hg19) VCF-style: chr4-106155295-A-T.
Other names: c.196A>T, p.Met66Leu (NM_017628.4); short protein forms M66L.
Identifiers: ClinVar variation 3010277 (VCV003010277.3), dbSNP rs1415748040, ClinGen allele CA357790815.
Genomic context (GRCh38, chr4:105,234,138, plus strand): 5'-CCAGAAGTAAATGGAGACACCAAGTGGCACTCTTTCAAAAGTTATTATGGAATACCCTGT[A>T]TGAAGGGAAGCCAGAATAGTCGTGTGAGTCCTGACTTTACACAAGAAAGTAGAGGGTATT-3'
Protein context (NP_001120680.1, residues 56-76): SFKSYYGIPC[Met66Leu]KGSQNSRVSP

ClinVar aggregate classification (germline): Uncertain significance (1 of 4 stars; one submission).

Allele frequency attached by ClinVar (database versions not stated): gnomAD 0.00001; TOPMed 0.00001.
gnomAD v4.1: 19 of 1,614,084 alleles (0.0012%); highest among the groups gnomAD compares: Non-Finnish European, 0.0016%; no homozygotes.

Submission:

Labcorp Genetics (formerly Invitae), Labcorp
Classification: Uncertain significance. Last evaluated: 2023-07-16. Review status: criteria provided, single submitter. Criteria: Invitae Variant Classification Sherloc (09022015). Collection method: clinical testing. Allele origin: germline.
Comment: This sequence change replaces methionine, which is neutral and non-polar, with leucine, which is neutral and non-polar, at codon 66 of the TET2 protein (p.Met66Leu). This variant is present in population databases (no rsID available, gnomAD 0.0009%). In summary, the available evidence is currently insufficient to determine the role of this variant in disease. Therefore, it has been classified as a Variant of Uncertain Significance. An algorithm developed to predict the effect of missense changes on protein structure and function (PolyPhen-2) suggests that this variant is likely to be tolerated. This variant has not been reported in the literature in individuals affected with TET2-related conditions.